The following is an entry in ClinVar:

ClinVar aggregate classification (germline): Likely benign (1 of 4 stars; one submission).

Conditions:
Hereditary cancer-predisposing syndrome. Also called: Tumor predisposition; Hereditary Cancer Syndrome; Neoplastic Syndromes, Hereditary; Hereditary neoplastic syndrome. Identifiers: Orphanet 140162, MedGen C0027672, MeSH D009386, MONDO:0015356.

Submission:

Molecular Diagnostics Laboratory, Catalan Institute of Oncology
Classification: Likely benign for Hereditary cancer-predisposing syndrome. Last evaluated: 2024-11-21. Review status: criteria provided, single submitter. Criteria: ClinGen BRCA1BRCA2 ACMG Specifications BRCA2 V1.0.0. Collection method: clinical testing. Allele origin: germline.
Comment: BP1_Strong, PM2_Supporting c.7121A>T located in exon 14 of the BRCA2 gene, is predicted to result in the substitution of asparagine by isoleucine at codon 2374, p.(Asn2374Ile). This position is outside a (potentially) clinically important functional domain but the SpliceAI algorithm predicts no significant impact on splicing (BP1_Strong). It is not present in the population database gnomAD v2.1.1, exome non-cancer dataset (PM2_Supporting). To our knowledge, neither clinical data nor functional studies have not been reported for this variant. Based on currently available information, the variant c.7121A>T is classified as a likely benign variant according to ClinGen-BRCA1 and BRCA2 Guidelines version 1.0.0.

NM_000059.4(BRCA2):c.7121A>T (p.Asn2374Ile)

Gene: BRCA2 (BRCA2 DNA repair associated; plus strand). Cytogenetic location: 13q13.1.
Variant type: single nucleotide variant.
Coding change: c.7121A>T on transcript NM_000059.4 (MANE Select); coding-DNA position 7121, A replaced by T.
Protein change: p.Asn2374Ile; replaces asparagine 2374 with isoleucine.
Molecular consequence: missense variant. On other transcripts: non-coding transcript variant (1).
Genome position (GRCh38, 1-based): chr13:32,354,974, A>T. VCF-style: chr13-32354974-A-T. GRCh37 (hg19) VCF-style: chr13-32929111-A-T.
Other names: c.7025A>T, p.Asn2342Ile (NM_001406719.1); c.7121A>T, p.Asn2374Ile (NM_001406720.1, NM_001432077.1); c.2189A>T, p.Asn730Ile (NM_001406721.1); c.704A>T, p.Asn235Ile (NM_001406722.1); short protein forms N2342I, N235I, N2374I, N730I.
Identifiers: ClinVar variation 3774432 (VCV003774432.1).